The following is an entry in ClinVar:

Conditions:
Breast-ovarian cancer, familial, susceptibility to, 1 (BROVCA1). Also called: BRCA1 Hereditary Breast and Ovarian Cancer; OVARIAN CANCER, SUSCEPTIBILITY TO. Identifiers: Orphanet 145, MedGen C2676676, MONDO:0011450, OMIM 604370. Disease mechanism: loss of function.

Submission:

Brotman Baty Institute, University of Washington
No classification provided (evidence only). Condition: Breast-ovarian cancer, familial 1. Review status: no classification provided. Collection method: in vitro. Allele origin: not applicable. Functional consequence: functionally_normal.
ClinVar note: "not provided" was previously submitted as the classification for the variant. However, the classification appeared to be based only on an observation of functional data so it was converted to no classification on 2025-07-30.

NM_007294.4(BRCA1):c.96G>T (p.Lys32Asn)

Gene: BRCA1 (BRCA1 DNA repair associated; minus strand). Cytogenetic location: 17q21.31.
Variant type: single nucleotide variant.
Coding change: c.96G>T on transcript NM_007294.4 (MANE Select); coding-DNA position 96, G replaced by T.
Protein change: p.Lys32Asn; replaces lysine 32 with asparagine.
Molecular consequence: missense variant. On other transcripts: non-coding transcript variant (1), intron variant (1).
Genome position (GRCh38, 1-based): chr17:43,115,764, C>A on the plus strand (G>T on the coding strand, the complement: BRCA1 is on the minus strand). VCF-style: chr17-43115764-C-A. GRCh37 (hg19) VCF-style: chr17-41267781-C-A.
Other names: c.96G>T, p.Lys32Asn (NM_001408404.1, NM_001408406.1, NM_001408407.1 and 192 more transcripts); c.-46G>T (NM_001408410.1, NM_001408452.1, NM_001408453.1 and 47 more transcripts); c.-162G>T (NM_001408455.1, NM_001408456.1, NM_001408468.1 and 13 more transcripts); c.-166G>T (NM_001408465.1, NM_001407695.1); c.-93G>T (NM_001407571.1, NM_001408478.1, NM_001408479.1 and 52 more transcripts); c.-209G>T (NM_001408492.1, NM_001407889.1, NM_001407900.1); c.-208G>T (NM_001408510.1, NM_001408512.1, NM_001407960.1 and 1 more transcripts); c.-8+8253G>T (NM_007297.4); and 2 more; short protein forms K32N.
Identifiers: ClinVar variation 868135 (VCV000868135.3), dbSNP rs1597912013, ClinGen allele CA10601960.